The following is an entry in ClinVar:

NM_006383.4(CIB2):c.451A>G (p.Lys151Glu)

Gene: CIB2 (calcium and integrin binding family member 2; minus strand). Cytogenetic location: 15q25.1.
Variant type: single nucleotide variant.
Coding change: c.451A>G on transcript NM_006383.4 (MANE Select); coding-DNA position 451, A replaced by G.
Protein change: p.Lys151Glu; replaces lysine 151 with glutamic acid.
Molecular consequence: missense variant. On other transcripts: non-coding transcript variant (1).
Genome position (GRCh38, 1-based): chr15:78,105,830, T>C on the plus strand (A>G on the coding strand, the complement: CIB2 is on the minus strand). VCF-style: chr15-78105830-T-C. GRCh37 (hg19) VCF-style: chr15-78398172-T-C.
Other names: c.322A>G, p.Lys108Glu (NM_001271888.2); c.304A>G, p.Lys102Glu (NM_001271889.2); c.466A>G, p.Lys156Glu (NM_001301224.2); short protein forms K108E, K156E, K151E, K102E.
Identifiers: ClinVar variation 2105044 (VCV002105044.4), dbSNP rs563859206, ClinGen allele CA393545614.

ClinVar aggregate classification (germline): Uncertain significance (1 of 4 stars; one submission).

Allele frequency attached by ClinVar (database versions not stated): TOPMed 0.00001.
gnomAD v4.1: 3 of 1,614,166 alleles (0.00019%); highest among the groups gnomAD compares: Non-Finnish European, 0.00025%; no homozygotes.

Submission:

Labcorp Genetics (formerly Invitae), Labcorp
Classification: Uncertain significance. Last evaluated: 2024-10-17. Review status: criteria provided, single submitter. Criteria: Invitae Variant Classification Sherloc (09022015). Collection method: clinical testing. Allele origin: germline.
Comment: This sequence change replaces lysine, which is basic and polar, with glutamic acid, which is acidic and polar, at codon 151 of the CIB2 protein (p.Lys151Glu). This variant is not present in population databases (gnomAD no frequency). This variant has not been reported in the literature in individuals affected with CIB2-related conditions. ClinVar contains an entry for this variant (Variation ID: 2105044). An algorithm developed to predict the effect of missense changes on protein structure and function (PolyPhen-2) suggests that this variant is likely to be disruptive. In summary, the available evidence is currently insufficient to determine the role of this variant in disease. Therefore, it has been classified as a Variant of Uncertain Significance.